The following is an entry in ClinVar:

ClinVar aggregate classification (germline): Uncertain significance. Review status: criteria provided, multiple submitters, no conflicts (2 of 4 stars). 2 submissions from 2 submitters: Uncertain significance (2). Last evaluated 2023-10-25.

Conditions:
Hereditary spastic paraplegia 73. Also called: Spastic paraplegia 73, autosomal dominant. Identifiers: Orphanet 444099, MedGen C5568981, MONDO:0014568, OMIM 616282.

Allele frequency attached by ClinVar (database versions not stated): gnomAD 0.00001; gnomAD exomes 0.00001 and 0.00002; TOPMed 0.00001; ExAC 0.00002.
gnomAD v4.1: 17 of 1,613,914 alleles (0.0011%); highest among the groups gnomAD compares: South Asian, 0.0022%; no homozygotes.

Submissions (2):

Women's Health and Genetics/Laboratory Corporation of America, LabCorp
Classification: Uncertain significance. Last evaluated: 2023-10-25. Review status: criteria provided, single submitter. Criteria: LabCorp Variant Classification Summary - May 2015. Collection method: clinical testing. Allele origin: germline.
Comment: Variant summary: CPT1C c.740C>T (p.Pro247Leu) results in a non-conservative amino acid change located in the choline/carnitine acyltransferase domain (IPR039551) of the encoded protein sequence. Five of five in-silico tools predict a damaging effect of the variant on protein function. The variant allele was found at a frequency of 1.6e-05 in 251308 control chromosomes (gnomAD). The available data on variant occurrences in the general population are insufficient to allow any conclusion about variant significance. To our knowledge, no occurrence of c.740C>T in individuals affected with Hereditary Spastic Paraplegia 73 and no experimental evidence demonstrating its impact on protein function have been reported. One submitter has cited clinical-significance assessments for this variant to ClinVar after 2014 and has classified the variant as uncertain significance. Based on the evidence outlined above, the variant was classified as uncertain significance.

Labcorp Genetics (formerly Invitae), Labcorp
Classification: Uncertain significance for Hereditary spastic paraplegia 73. Last evaluated: 2019-10-24. Review status: criteria provided, single submitter. Criteria: Invitae Variant Classification Sherloc (09022015). Collection method: clinical testing. Allele origin: germline.
Comment: In summary, the available evidence is currently insufficient to determine the role of this variant in disease. Therefore, it has been classified as a Variant of Uncertain Significance. Algorithms developed to predict the effect of missense changes on protein structure and function are either unavailable or do not agree on the potential impact of this missense change (SIFT: "Deleterious"; PolyPhen-2: "Benign"; Align-GVGD: "Class C15"). This variant has not been reported in the literature in individuals with CPT1C-related conditions. This variant is present in population databases (rs765359581, ExAC 0.02%). This sequence change replaces proline with leucine at codon 247 of the CPT1C protein (p.Pro247Leu). The proline residue is moderately conserved and there is a moderate physicochemical difference between proline and leucine.

NM_001199753.2(CPT1C):c.740C>T (p.Pro247Leu)

Gene: CPT1C (carnitine palmitoyltransferase 1C; plus strand). Cytogenetic location: 19q13.33.
Variant type: single nucleotide variant.
Coding change: c.740C>T on transcript NM_001199753.2 (MANE Select); coding-DNA position 740, C replaced by T.
Protein change: p.Pro247Leu; replaces proline 247 with leucine.
Molecular consequence: missense variant. On other transcripts: non-coding transcript variant (1).
Genome position (GRCh38, 1-based): chr19:49,704,756, C>T. VCF-style: chr19-49704756-C-T. GRCh37 (hg19) VCF-style: chr19-50208013-C-T.
Other names: c.740C>T, p.Pro247Leu (NM_001136052.3, NM_001199752.3, NM_001378482.1 and 7 more transcripts); short protein forms P247L.
Identifiers: ClinVar variation 959137 (VCV000959137.10), dbSNP rs765359581, ClinGen allele CA9581925.